The following is an entry in ClinVar:

ClinVar aggregate classification (germline): Pathogenic (1 of 4 stars; one submission).

Conditions:
Hermansky-Pudlak syndrome 3 (HPS3). Identifiers: Orphanet 231512, Orphanet 79430, MedGen C3888001, MONDO:0013555, OMIM 614072.

Submission:

Myriad Genetics, Inc.
Classification: Pathogenic for Hermansky-Pudlak syndrome 3. Last evaluated: 2024-05-14. Review status: criteria provided, single submitter. Criteria: Myriad Autosomal Dominant, Autosomal Recessive and X-Linked Classification Criteria (2023). Collection method: clinical testing. Allele origin: unknown.
Comment: NM_032383.3(HPS3):c.2502T>A(Y834*) is expected to be pathogenic in the context of Hermansky-Pudlak syndrome, HPS3-related. This variant is predicted to lead to an abnormal or absent protein product due to the creation of a premature termination codon in HPS3, a gene where loss-of-function variants are known to be pathogenic. Please note: this variant was assessed in the context of healthy population screening.

NM_032383.5(HPS3):c.2502T>A (p.Tyr834Ter)

Genes: CP (ceruloplasmin; minus strand), HPS3 (HPS3 biogenesis of lysosomal organelles complex 2 subunit 1; plus strand). Cytogenetic location: 3q24.
Variant type: single nucleotide variant.
Coding change: c.2502T>A on transcript NM_032383.5 (MANE Select); coding-DNA position 2502, T replaced by A.
Protein change: p.Tyr834Ter; replaces tyrosine 834 with a stop codon.
Molecular consequence: nonsense.
Genome position (GRCh38, 1-based): chr3:149,163,862, T>A. VCF-style: chr3-149163862-T-A. GRCh37 (hg19) VCF-style: chr3-148881649-T-A.
Other names: c.2007T>A, p.Tyr669Ter (NM_001308258.2); short protein forms Y669*, Y834*.
Identifiers: ClinVar variation 5010416 (VCV005010416.1).